The following is an entry in ClinVar:

NM_002860.4(ALDH18A1):c.1417A>G (p.Ile473Val)

Gene: ALDH18A1 (aldehyde dehydrogenase 18 family member A1; minus strand). Cytogenetic location: 10q24.1.
Variant type: single nucleotide variant.
Coding change: c.1417A>G on transcript NM_002860.4 (MANE Select); coding-DNA position 1417, A replaced by G.
Protein change: p.Ile473Val; replaces isoleucine 473 with valine.
Molecular consequence: missense variant.
Genome position (GRCh38, 1-based): chr10:95,621,081, T>C on the plus strand (A>G on the coding strand, the complement: ALDH18A1 is on the minus strand). VCF-style: chr10-95621081-T-C. GRCh37 (hg19) VCF-style: chr10-97380838-T-C.
Other names: c.1411A>G, p.Ile471Val (NM_001017423.2, NM_001323415.2); c.1084A>G, p.Ile362Val (NM_001323412.2, NM_001323416.2); c.1417A>G, p.Ile473Val (NM_001323413.2, NM_001323414.2); c.1312A>G, p.Ile438Val (NM_001323417.2); c.1078A>G, p.Ile360Val (NM_001323418.2); c.781A>G, p.Ile261Val (NM_001323419.2); short protein forms I473V, I360V, I438V, I261V, I362V, I471V.
Identifiers: ClinVar variation 450228 (VCV000450228.11), dbSNP rs373239891, ClinGen allele CA5620325.
Genomic context (GRCh38, chr10:95,621,081, plus strand): 5'-ATATACACACCTGGGGTAGACAGTCAGGACGAGATTCAAAGATCACCAGCAGAACTCCAA[T>C]TGGGACAGTCACTTGTTCCAGTTCCAAGTTTTTGGCGATTCGGGTGCGGCGCAAAACACG-3'
Protein context (NP_002851.2, residues 463-483): NLELEQVTVP[Ile473Val]GVLLVIFESR

ClinVar aggregate classification (germline): Uncertain significance. Review status: criteria provided, multiple submitters, no conflicts (2 of 4 stars). 3 submissions from 3 submitters: Uncertain significance (3). Last evaluated 2024-08-05.

Conditions:
Hereditary spastic paraplegia. Also called: Familial spastic paraparesis. Identifiers: Orphanet 685, MedGen C0037773, MONDO:0019064. Disease mechanism: loss of function.
Autosomal dominant spastic paraplegia type 9. Identifiers: MedGen C1832669, MONDO:0015091.
Cutis laxa, autosomal dominant 3 (ADCL3). Identifiers: Orphanet 90348, MedGen C4225268, MONDO:0014706, OMIM 616603.
de Barsy syndrome. Also called: Cutis laxa-corneal clouding-oligophrenia syndrome. Identifiers: Orphanet 2962, MedGen C0268354, MONDO:0017569.

Allele frequency attached by ClinVar (database versions not stated): gnomAD exomes 0.00002 and 0.00003; gnomAD 0.00003; TOPMed 0.00004; ExAC 0.00005; ESP Exome Variant Server 0.00008.
gnomAD v4.1: 38 of 1,614,014 alleles (0.0024%); highest among the groups gnomAD compares: Admixed American, 0.0067%; no homozygotes.

Submissions (3):

Labcorp Genetics (formerly Invitae), Labcorp
Classification: Uncertain significance for Autosomal dominant spastic paraplegia type 9; de Barsy syndrome; Cutis laxa, autosomal dominant 3. Last evaluated: 2024-08-05. Review status: criteria provided, single submitter. Criteria: Invitae Variant Classification Sherloc (09022015). Collection method: clinical testing. Allele origin: germline.
Comment: This sequence change replaces isoleucine, which is neutral and non-polar, with valine, which is neutral and non-polar, at codon 473 of the ALDH18A1 protein (p.Ile473Val). This variant is present in population databases (rs373239891, gnomAD 0.01%). This variant has not been reported in the literature in individuals affected with ALDH18A1-related conditions. ClinVar contains an entry for this variant (Variation ID: 450228). Advanced modeling of protein sequence and biophysical properties (such as structural, functional, and spatial information, amino acid conservation, physicochemical variation, residue mobility, and thermodynamic stability) has been performed at Invitae for this missense variant, however the output from this modeling did not meet the statistical confidence thresholds required to predict the impact of this variant on ALDH18A1 protein function. In summary, the available evidence is currently insufficient to determine the role of this variant in disease. Therefore, it has been classified as a Variant of Uncertain Significance.

GeneDx
Classification: Uncertain significance. Last evaluated: 2017-07-05. Review status: criteria provided, single submitter. Criteria: GeneDx Variant Classification (06012015). Collection method: clinical testing. Allele origin: germline. Affected: yes.
Comment: The I473V variant in the ALDH18 gene has not been reported previously as a pathogenic variant, nor as a benign variant, to our knowledge. The I473V variant is observed in 4/11572 (0.035%) alleles from individuals of Latino background in the ExAC dataset (Lek et al., 2016). The I473V variant is a conservative amino acid substitution, which is not likely to impact secondary protein structure as these residues share similar properties. This substitution occurs at a position that is conserved across species. In silico analysis is inconsistent in its predictions as to whether or not the variant is damaging to the protein structure/function. We interpret I473V as a variant of uncertain significance.

Genome Diagnostics Laboratory, The Hospital for Sick Children
Classification: Uncertain significance for Hereditary spastic paraplegia. Last evaluated: 2017-01-11. Review status: criteria provided, single submitter. Criteria: ACMG Guidelines, 2015. Collection method: clinical testing. Allele origin: germline. Affected: yes.